The following is an entry in ClinVar:

ClinVar aggregate classification (germline): Uncertain significance (1 of 4 stars; one submission).

Submission:

GeneDx
Classification: Uncertain significance. Last evaluated: 2024-09-20. Review status: criteria provided, single submitter. Criteria: GeneDx Variant Classification Process June 2021. Collection method: clinical testing. Allele origin: germline. Affected: yes.
Comment: In silico analysis supports that this missense variant has a deleterious effect on protein structure/function; Has not been previously published as pathogenic or benign to our knowledge

NM_001256071.3(RNF213):c.6727A>G (p.Thr2243Ala)

Gene: RNF213 (ring finger protein 213; plus strand). Cytogenetic location: 17q25.3.
Variant type: single nucleotide variant.
Coding change: c.6727A>G on transcript NM_001256071.3 (MANE Select); coding-DNA position 6727, A replaced by G.
Protein change: p.Thr2243Ala; replaces threonine 2243 with alanine.
Molecular consequence: missense variant.
Genome position (GRCh38, 1-based): chr17:80,345,062, A>G. VCF-style: chr17-80345062-A-G. GRCh37 (hg19) VCF-style: chr17-78318862-A-G.
Other names: c.6874A>G, p.Thr2292Ala (NM_001410195.1, NM_020914.5); short protein forms T2243A, T2292A.
Identifiers: ClinVar variation 3774136 (VCV003774136.1).